The following is an entry in ClinVar:

NM_005228.5(EGFR):c.2422A>G (p.Asn808Asp)

Genes: EGFR (epidermal growth factor receptor; plus strand), EGFR-AS1 (EGFR antisense RNA 1; minus strand). Cytogenetic location: 7p11.2.
Variant type: single nucleotide variant.
Coding change: c.2422A>G on transcript NM_005228.5 (MANE Select); coding-DNA position 2422, A replaced by G.
Protein change: p.Asn808Asp; replaces asparagine 808 with aspartic acid.
Molecular consequence: missense variant. On other transcripts: non-coding transcript variant (1).
Genome position (GRCh38, 1-based): chr7:55,181,431, A>G. VCF-style: chr7-55181431-A-G. GRCh37 (hg19) VCF-style: chr7-55249124-A-G.
Other names: c.1621A>G, p.Asn541Asp (NM_001346941.2); c.2287A>G, p.Asn763Asp (NM_001346897.2, NM_001346899.2); c.2422A>G, p.Asn808Asp (NM_001346898.2); c.2263A>G, p.Asn755Asp (NM_001346900.2); short protein forms N755D, N808D, N541D, N763D.
Identifiers: ClinVar variation 5035837 (VCV005035837.1).

ClinVar aggregate classification (germline): Uncertain significance (1 of 4 stars; one submission).

Conditions:
Hereditary cancer-predisposing syndrome. Also called: Hereditary Cancer Syndrome; Neoplastic Syndromes, Hereditary; Tumor predisposition; Hereditary neoplastic syndrome. Identifiers: Orphanet 140162, MedGen C0027672, MeSH D009386, MONDO:0015356.

Submission:

Ambry Genetics
Classification: Uncertain significance for Hereditary cancer-predisposing syndrome. Last evaluated: 2026-09-03. Review status: criteria provided, single submitter. Criteria: Ambry Variant Classification Scheme 2023. Collection method: clinical testing. Allele origin: germline.
Comment: The p.N808D variant (also known as c.2422A>G), located in coding exon 20 of the EGFR gene, results from an A to G substitution at nucleotide position 2422. The asparagine at codon 808 is replaced by aspartic acid, an amino acid with highly similar properties. This amino acid position is highly conserved in available vertebrate species. In addition, the in silico prediction for this alteration is inconclusive. Based on the available evidence, the clinical significance of this variant remains unclear.